The following is an entry in ClinVar:

NM_139057.4(ADAMTS17):c.1837G>A (p.Asp613Asn)

Gene: ADAMTS17 (ADAM metallopeptidase with thrombospondin type 1 motif 17; minus strand). Cytogenetic location: 15q26.3.
Variant type: single nucleotide variant.
Coding change: c.1837G>A on transcript NM_139057.4 (MANE Select); coding-DNA position 1837, G replaced by A.
Protein change: p.Asp613Asn; replaces aspartic acid 613 with asparagine.
Molecular consequence: missense variant.
Genome position (GRCh38, 1-based): chr15:100,116,898, C>T on the plus strand (G>A on the coding strand, the complement: ADAMTS17 is on the minus strand). VCF-style: chr15-100116898-C-T. GRCh37 (hg19) VCF-style: chr15-100657103-C-T.
Other names: short protein forms D613N.
Identifiers: ClinVar variation 2192611 (VCV002192611.1), dbSNP rs539824002, ClinGen allele CA7758047.
Genomic context (GRCh38, chr15:100,116,898, plus strand): 5'-TGCCTTTACCGTCAACCACCACGGCTGTCAGCAGGCCTTTCTTCTTGGGGCTCAGCCGGT[C>T]GTGTGCCTGGCACTGCTGGTCCCGGAAGCTGGGCAGACCCTTGGGGCAGGGCAGGTTCTC-3'
Protein context (NP_620688.2, residues 603-623): SFRDQQCQAH[Asp613Asn]RLSPKKKGLL

ClinVar aggregate classification (germline): Uncertain significance (1 of 4 stars; one submission).

Allele frequency attached by ClinVar (database versions not stated): gnomAD 0.00002; TOPMed 0.00003; gnomAD exomes 0.00006; ExAC 0.00008; 1000 Genomes Project 0.00020; 1000 Genomes Project 30x 0.00031.
gnomAD v4.1: 97 of 1,614,170 alleles (0.006%); highest among the groups gnomAD compares: Middle Eastern, 0.033%; no homozygotes.

Submission:

Labcorp Genetics (formerly Invitae), Labcorp
Classification: Uncertain significance. Last evaluated: 2022-04-13. Review status: criteria provided, single submitter. Criteria: Invitae Variant Classification Sherloc (09022015). Collection method: clinical testing. Allele origin: germline.
Comment: This sequence change replaces aspartic acid, which is acidic and polar, with asparagine, which is neutral and polar, at codon 613 of the ADAMTS17 protein (p.Asp613Asn). This variant is present in population databases (rs539824002, gnomAD 0.04%). This variant has not been reported in the literature in individuals affected with ADAMTS17-related conditions. Algorithms developed to predict the effect of missense changes on protein structure and function are either unavailable or do not agree on the potential impact of this missense change (SIFT: "Not Available"; PolyPhen-2: "Benign"; Align-GVGD: "Not Available"). In summary, the available evidence is currently insufficient to determine the role of this variant in disease. Therefore, it has been classified as a Variant of Uncertain Significance.